The following is an entry in ClinVar:

ClinVar aggregate classification (germline): Conflicting classifications of pathogenicity. Review status: criteria provided, conflicting classifications (1 of 4 stars). 2 submissions from 2 submitters: Uncertain significance (1); Likely benign (1). Last evaluated 2026-04-01.

Conditions:
Inborn genetic diseases. Identifiers: MedGen C0950123, MeSH D030342.

Submissions (2):

Ambry Genetics
Classification: Likely benign for Inborn genetic diseases. Last evaluated: 2026-04-01. Review status: criteria provided, single submitter. Criteria: Ambry Variant Classification Scheme 2023. Collection method: clinical testing. Allele origin: germline.

Labcorp Genetics (formerly Invitae), Labcorp
Classification: Uncertain significance. Last evaluated: 2023-12-12. Review status: criteria provided, single submitter. Criteria: Invitae Variant Classification Sherloc (09022015). Collection method: clinical testing. Allele origin: germline.
Comment: This sequence change replaces asparagine, which is neutral and polar, with aspartic acid, which is acidic and polar, at codon 138 of the ARID1B protein (p.Asn138Asp). This variant is not present in population databases (gnomAD no frequency). This variant has not been reported in the literature in individuals affected with ARID1B-related conditions. Experimental studies and prediction algorithms are not available or were not evaluated, and the functional significance of this variant is currently unknown. In summary, the available evidence is currently insufficient to determine the role of this variant in disease. Therefore, it has been classified as a Variant of Uncertain Significance.

Literature cited by the submitters: PubMed 36413997 (cited by Ambry Genetics).

NM_001374828.1(ARID1B):c.661A>G (p.Asn221Asp)

Genes: ARID1B (AT-rich interaction domain 1B; plus strand), LOC115308161 (uncharacterized LOC115308161; minus strand). Cytogenetic location: 6q25.3.
Variant type: single nucleotide variant.
Coding change: c.661A>G on transcript NM_001374828.1 (MANE Select); coding-DNA position 661, A replaced by G.
Protein change: p.Asn221Asp; replaces asparagine 221 with aspartic acid.
Molecular consequence: missense variant. On other transcripts: non-coding transcript variant (1).
Genome position (GRCh38, 1-based): chr6:156,778,341, A>G. VCF-style: chr6-156778341-A-G. GRCh37 (hg19) VCF-style: chr6-157099475-A-G.
Other names: c.412A>G, p.Asn138Asp (NM_001346813.1, NM_020732.3); c.661A>G, p.Asn221Asp (NM_001371656.1, NM_001374820.1, NM_017519.3); c.238A>G, p.Asn80Asp (NM_175863.2); short protein forms N138D, N221D, N80D.
Identifiers: ClinVar variation 2748283 (VCV002748283.5), dbSNP rs2546824151, ClinGen allele CA366381834.
Genomic context (GRCh38, chr6:156,778,341, plus strand): 5'-CAGCAGCAGCAACAGCAGCAGCAGCAGCAGCAGCAACAGCAACATCCCATTTCCAACAAC[A>G]ACAGCTTGGGCGGCGCGGGCGGCGGCGCGCCTCAGCCCGGCCCCGACATGGAGCAGCCGC-3'
Protein context (NP_001361757.1, residues 211-231): QQQQHPISNN[Asn221Asp]SLGGAGGGAP